The following is an entry in ClinVar:

NM_001375808.2(LPIN2):c.1228G>C (p.Gly410Arg)

Gene: LPIN2 (lipin 2; minus strand). Cytogenetic location: 18p11.31.
Variant type: single nucleotide variant.
Coding change: c.1228G>C on transcript NM_001375808.2 (MANE Select); coding-DNA position 1228, G replaced by C.
Protein change: p.Gly410Arg; replaces glycine 410 with arginine.
Molecular consequence: missense variant.
Genome position (GRCh38, 1-based): chr18:2,934,391, C>G on the plus strand (G>C on the coding strand, the complement: LPIN2 is on the minus strand). VCF-style: chr18-2934391-C-G. GRCh37 (hg19) VCF-style: chr18-2934389-C-G.
Other names: c.1228G>C, p.Gly410Arg (NM_001375809.1, NM_014646.2); short protein forms G410R.
Identifiers: ClinVar variation 2689379 (VCV002689379.4), dbSNP rs745818701, ClinGen allele CA8873167.

ClinVar aggregate classification (germline): Uncertain significance. Review status: criteria provided, multiple submitters, no conflicts (2 of 4 stars). 2 submissions from 2 submitters: Uncertain significance (2). Last evaluated 2023-11-13.

Conditions:
Majeed syndrome (MJDS). Also called: LPIN2-Related Majeed Syndrome; CHRONIC RECURRENT MULTIFOCAL OSTEOMYELITIS 1, WITH CONGENITAL DYSERYTHROPOIETIC ANEMIA, WITH OR WITHOUT NEUTROPHILIC DERMATOSIS. Identifiers: Orphanet 77297, MedGen C1864997, MONDO:0012316, OMIM 609628.

Allele frequency attached by ClinVar (database versions not stated): ExAC 0.00001; gnomAD 0.00001; gnomAD exomes 0.00002; TOPMed 0.00002.
gnomAD v4.1: 25 of 1,613,558 alleles (0.0015%); highest among the groups gnomAD compares: Non-Finnish European, 0.002%; no homozygotes.

Submissions (2):

Labcorp Genetics (formerly Invitae), Labcorp
Classification: Uncertain significance for Majeed syndrome. Last evaluated: 2023-11-13. Review status: criteria provided, single submitter. Criteria: Invitae Variant Classification Sherloc (09022015). Collection method: clinical testing. Allele origin: germline.
Comment: This sequence change replaces glycine, which is neutral and non-polar, with arginine, which is basic and polar, at codon 410 of the LPIN2 protein (p.Gly410Arg). This variant is present in population databases (rs745818701, gnomAD 0.007%). This variant has not been reported in the literature in individuals affected with LPIN2-related conditions. Advanced modeling of protein sequence and biophysical properties (such as structural, functional, and spatial information, amino acid conservation, physicochemical variation, residue mobility, and thermodynamic stability) performed at Invitae indicates that this missense variant is not expected to disrupt LPIN2 protein function with a negative predictive value of 80%. In summary, the available evidence is currently insufficient to determine the role of this variant in disease. Therefore, it has been classified as a Variant of Uncertain Significance.

Revvity Omics, Revvity
Classification: Uncertain significance for Majeed syndrome. Last evaluated: 2023-04-07. Review status: criteria provided, single submitter. Criteria: ACMG Guidelines, 2015. Collection method: clinical testing. Allele origin: germline.